The following is an entry in ClinVar:

ClinVar aggregate classification (germline): Pathogenic (1 of 4 stars; one submission).

Conditions:
Fanconi anemia (FA). Also called: Fanconi's anemia. Identifiers: Orphanet 84, MedGen C0015625, MeSH D005199, MONDO:0019391.

Submission:

Labcorp Genetics (formerly Invitae), Labcorp
Classification: Pathogenic for Fanconi anemia. Last evaluated: 2022-07-24. Review status: criteria provided, single submitter. Criteria: Invitae Variant Classification Sherloc (09022015). Collection method: clinical testing. Allele origin: germline.
Comment: This sequence change creates a premature translational stop signal (p.Asn429Metfs*22) in the FANCM gene. It is expected to result in an absent or disrupted protein product. Loss-of-function variants in FANCM are known to be pathogenic (PMID: 29895858, 30075111). This variant is not present in population databases (gnomAD no frequency). This variant has not been reported in the literature in individuals affected with FANCM-related conditions. For these reasons, this variant has been classified as Pathogenic.

Literature cited by the submitters: PubMed 29895858; PubMed 30075111.

NM_020937.4(FANCM):c.1286del (p.Asn429fs)

Gene: FANCM (FA complementation group M; plus strand). Cytogenetic location: 14q21.2.
Variant type: Deletion.
Coding change: c.1286del on transcript NM_020937.4 (MANE Select); coding-DNA position 1286, one base deleted (A; older notation c.1286delA).
Protein change: p.Asn429fs; shifts the reading frame from asparagine 429.
Molecular consequence: frameshift variant.
Genome position (GRCh38, 1-based): chr14:45,154,799, A deleted; the last of 3 consecutive A bases (chr14:45,154,797-45,154,799); deleting any one gives the same sequence. VCF-style (leftmost placement, unchanged base first): chr14-45154796-CA-C. GRCh37 (hg19) VCF-style: chr14-45623999-CA-C.
Other names: c.1208del, p.Asn403fs (NM_001308133.2); c.1286del, p.Asn429fs (NM_001308134.2); short protein forms N403fs, N429fs.
Identifiers: ClinVar variation 2145804 (VCV002145804.4), dbSNP rs2503106913, ClinGen allele CA2580088136.